The following is an entry in ClinVar:

ClinVar aggregate classification (germline): Pathogenic. Review status: criteria provided, multiple submitters, no conflicts (2 of 4 stars). 2 submissions from 2 submitters: Pathogenic (2). Last evaluated 2024-06-13.

Conditions:
Mucopolysaccharidosis, MPS-IV-A (MPS4A). Also called: MPS IVA; GALACTOSAMINE-6-SULFATASE DEFICIENCY; GALNS DEFICIENCY; MORQUIO A DISEASE; Morquio syndrome A, mild; MORQUIO SYNDROME A. Identifiers: Orphanet 309297, Orphanet 582, MedGen C0086651, MONDO:0009659, OMIM 253000.

gnomAD v4.1: 4 of 1,613,978 alleles (0.00025%); highest among the groups gnomAD compares: Non-Finnish European, 0.00034%; no homozygotes.

Submissions (2):

Fulgent Genetics
Classification: Pathogenic for Mucopolysaccharidosis, MPS-IV-A. Last evaluated: 2024-06-13. Review status: criteria provided, single submitter. Criteria: ACMG Guidelines, 2015. Collection method: clinical testing. Allele origin: germline.

Labcorp Genetics (formerly Invitae), Labcorp
Classification: Pathogenic for Mucopolysaccharidosis, MPS-IV-A. Last evaluated: 2021-08-27. Review status: criteria provided, single submitter. Criteria: Invitae Variant Classification Sherloc (09022015). Collection method: clinical testing. Allele origin: germline.
Comment: For these reasons, this variant has been classified as Pathogenic. Algorithms developed to predict the effect of sequence changes on RNA splicing suggest that this variant may disrupt the consensus splice site. Disruption of this splice site has been observed in individual(s) with clinical features of mucopolysaccharidosis type IVA (PMID: 15235041; Invitae). In at least one individual the data is consistent with the variant being in trans (on the opposite chromosome) from a pathogenic variant. This variant is not present in population databases (ExAC no frequency). This sequence change affects a donor splice site in intron 7 of the GALNS gene. It is expected to disrupt RNA splicing. Variants that disrupt the donor or acceptor splice site typically lead to a loss of protein function (PMID: 16199547), and loss-of-function variants in GALNS are known to be pathogenic (PMID: 12442278).

Literature cited by the submitters: PubMed 15235041 (cited by Labcorp Genetics (formerly Invitae), Labcorp); PubMed 16199547 (cited by Labcorp Genetics (formerly Invitae), Labcorp); PubMed 12442278 (cited by Labcorp Genetics (formerly Invitae), Labcorp).

NM_000512.5(GALNS):c.758+1G>A

Gene: GALNS (galactosamine (N-acetyl)-6-sulfatase; minus strand). Cytogenetic location: 16q24.3.
Variant type: single nucleotide variant.
Coding change: c.758+1G>A on transcript NM_000512.5 (MANE Select); the canonical splice donor site of the intron after coding-DNA position 758, G replaced by A.
Molecular consequence: splice donor variant.
Genome position (GRCh38, 1-based): chr16:88,835,724, C>T on the plus strand (G>A on the coding strand, the complement: GALNS is on the minus strand). VCF-style: chr16-88835724-C-T. GRCh37 (hg19) VCF-style: chr16-88902132-C-T.
Other names: c.203+1G>A (NM_001323543.2); c.776+1G>A (NM_001323544.2).
Identifiers: ClinVar variation 1459286 (VCV001459286.7), dbSNP rs1363382746, ClinGen allele CA397079541.